The following is an entry in ClinVar:

ClinVar aggregate classification (germline): Conflicting classifications of pathogenicity. Review status: criteria provided, conflicting classifications (1 of 4 stars). 5 submissions from 5 submitters: Likely pathogenic (4); Uncertain significance (1). Last evaluated 2024-07-03.

Conditions:
Developmental and epileptic encephalopathy, 31B. Also called: Developmental and epileptic encephalopathy 31B, autosomal recessive. Identifiers: MedGen C5830459, MONDO:0957248, OMIM 620352.
Developmental and epileptic encephalopathy, 31A. Also called: Developmental and epileptic encephalopathy, 31; Epileptic encephalopathy, early infantile, 31. Identifiers: Orphanet 2382, MedGen C4225357, MONDO:0014598, OMIM 616346.
Inborn genetic diseases. Identifiers: MedGen C0950123, MeSH D030342.

Submissions (5):

Department of Human Genetics, Hannover Medical School
Classification: Likely pathogenic for Developmental and epileptic encephalopathy, 31A. Last evaluated: 2024-07-03. Review status: criteria provided, single submitter. Criteria: ACMG Guidelines, 2015. Collection method: clinical testing. Allele origin: germline. Affected: yes.

Labcorp Genetics (formerly Invitae), Labcorp
Classification: Uncertain significance for Developmental and epileptic encephalopathy, 31A. Last evaluated: 2024-03-30. Review status: criteria provided, single submitter. Criteria: Invitae Variant Classification Sherloc (09022015). Collection method: clinical testing. Allele origin: germline.
Comment: This sequence change replaces glycine, which is neutral and non-polar, with arginine, which is basic and polar, at codon 139 of the DNM1 protein (p.Gly139Arg). This variant is not present in population databases (gnomAD no frequency). This missense change has been observed in individual(s) with autism (PMID: 31785789). ClinVar contains an entry for this variant (Variation ID: 588356). Advanced modeling of protein sequence and biophysical properties (such as structural, functional, and spatial information, amino acid conservation, physicochemical variation, residue mobility, and thermodynamic stability) performed at Invitae indicates that this missense variant is expected to disrupt DNM1 protein function with a positive predictive value of 95%. In summary, the available evidence is currently insufficient to determine the role of this variant in disease. Therefore, it has been classified as a Variant of Uncertain Significance.

MGZ Medical Genetics Center
Classification: Likely pathogenic for Developmental and epileptic encephalopathy, 31A. Last evaluated: 2021-11-25. Review status: criteria provided, single submitter. Criteria: ACMG Guidelines, 2015. Collection method: clinical testing. Allele origin: germline. Affected: yes. Observed: 1 variant allele.
Comment: ACMG criteria applied: PM1, PM5, PM2_SUP, PP2, PP3

Ambry Genetics
Classification: Likely pathogenic for Inborn genetic diseases. Last evaluated: 2018-11-02. Review status: criteria provided, single submitter. Criteria: Ambry Variant Classification Scheme 2023. Collection method: clinical testing. Allele origin: germline.
Comment: The p.G139R variant (also known as c.415G>A), located in coding exon 4 of the DNM1 gene, results from a G to A substitution at nucleotide position 415. The glycine at codon 139 is replaced by arginine, an amino acid with dissimilar properties. This alteration has been reported in the literature as de novo in an individual with epilepsy and developmental delay (McRae et al. Nature, 2017 02;542:433-438). A different variant at the same amino acid position, p.G139V, has been reported de novo in an individual with refractory seizures and profound intellectual disability (von Spiczak S et al. Neurology, 2017 Jul;89:385-394). Based on internal structural analysis, this variant is anticipated to disrupt the G3 GTP-binding motif (Ambry internal data; Chappie JS et al. Nature, 2010 May;465:435-40). This variant was not reported in population-based cohorts in the Genome Aggregation Database (gnomAD). This amino acid position is highly conserved in available vertebrate species. In addition, this alteration is predicted to be deleterious by in silico analysis. Based on the majority of available evidence to date, this variant is likely to be pathogenic.

Juno Genomics, Hangzhou Juno Genomics, Inc
Classification: Likely pathogenic for Developmental and epileptic encephalopathy, 31A; Developmental and epileptic encephalopathy, 31B. Review status: criteria provided, single submitter. Criteria: ACMG Guidelines, 2015. Collection method: clinical testing. Allele origin: germline. Affected: yes.
Comment: Absent from controls (or at extremely low frequency if recessive) in Genome Aggregation Database.;Multiple lines of computational evidence support a deleterious effect on the gene or gene product.;Missense variant in a gene that has a low rate of benign missense variation.;De novo (both maternity and paternity confirmed) in a patient with the disease and no family history.;The prevalence of the variant in affected individuals is significantly increased compared to the prevalence in controls.

Literature cited by the submitters: PubMed 31785789 (cited by Labcorp Genetics (formerly Invitae), Labcorp); PubMed 20428113 (cited by Ambry Genetics); PubMed 28135719 (cited by Ambry Genetics); PubMed 28667181 (cited by Ambry Genetics).

NM_004408.4(DNM1):c.415G>A (p.Gly139Arg)

Genes: DNM1 (dynamin 1; plus strand), LOC113839516 (Sharpr-MPRA regulatory region 8497; plus strand). Cytogenetic location: 9q34.11.
Variant type: single nucleotide variant.
Coding change: c.415G>A on transcript NM_004408.4 (MANE Select); coding-DNA position 415, G replaced by A.
Protein change: p.Gly139Arg; replaces glycine 139 with arginine.
Molecular consequence: missense variant.
Genome position (GRCh38, 1-based): chr9:128,219,078, G>A. VCF-style: chr9-128219078-G-A. GRCh37 (hg19) VCF-style: chr9-130981357-G-A.
Other names: c.415G>A, p.Gly139Arg (NM_001005336.3, NM_001288737.2, NM_001288738.2 and 1 more transcripts); short protein forms G139R.
Identifiers: ClinVar variation 588356 (VCV000588356.11), dbSNP rs1564328617, ClinGen allele CA375010925.